The following is an entry in ClinVar:

ClinVar aggregate classification (germline): Benign/Likely benign. Review status: criteria provided, multiple submitters, no conflicts (2 of 4 stars). 6 submissions from 6 submitters: Benign (1); Likely benign (1). 4 of the submissions do not count toward it. Last evaluated 2026-01-06.

Allele frequency attached by ClinVar (database versions not stated): gnomAD below 0.00001 and 0.00017; TOPMed 0.00002; gnomAD exomes 0.00032 and 0.00062; ExAC 0.00065; 1000 Genomes Project 0.00220; 1000 Genomes Project 30x 0.00250.

Submissions (6):

Labcorp Genetics (formerly Invitae), Labcorp
Classification: Likely benign. Last evaluated: 2026-01-06. Review status: criteria provided, single submitter. Criteria: Invitae Variant Classification Sherloc (09022015). Collection method: clinical testing. Allele origin: germline.

CeGaT Center for Human Genetics Tuebingen
Classification: Benign. Last evaluated: 2025-11-01. Review status: criteria provided, single submitter. Criteria: CeGaT Center For Human Genetics Tuebingen Variant Classification Criteria Version 2. Collection method: clinical testing. Allele origin: germline. Affected: yes. Observed: 1 variant allele.
Comment: MAGEL2: BS1, BS2

Clinical Genetics DNA and cytogenetics Diagnostics Lab, Erasmus MC, Erasmus Medical Center
Classification: Likely benign. Review status: no assertion criteria provided. Collection method: clinical testing. Allele origin: germline. Affected: yes. Study: VKGL Data-share Consensus. Not counted in ClinVar's aggregate classification.

Clinical Genetics, Academic Medical Center
Classification: Benign. Review status: no assertion criteria provided. Collection method: clinical testing. Allele origin: germline. Affected: yes. Study: VKGL Data-share Consensus. Not counted in ClinVar's aggregate classification.

Genome Diagnostics Laboratory, University Medical Center Utrecht
Classification: Likely benign. Review status: no assertion criteria provided. Collection method: clinical testing. Allele origin: germline. Affected: yes. Study: VKGL Data-share Consensus. Not counted in ClinVar's aggregate classification.

Laboratory of Diagnostic Genome Analysis, Leiden University Medical Center (LUMC)
Classification: Likely benign. Review status: no assertion criteria provided. Collection method: clinical testing. Allele origin: germline. Affected: yes. Study: VKGL Data-share Consensus. Not counted in ClinVar's aggregate classification.

NM_019066.5(MAGEL2):c.3140T>C (p.Val1047Ala)

Gene: MAGEL2 (MAGE family member L2; minus strand). Cytogenetic location: 15q11.2.
Variant type: single nucleotide variant.
Coding change: c.3140T>C on transcript NM_019066.5 (MANE Select); coding-DNA position 3140, T replaced by C.
Protein change: p.Val1047Ala; replaces valine 1047 with alanine.
Molecular consequence: missense variant.
Genome position (GRCh38, 1-based): chr15:23,644,603, A>G on the plus strand (T>C on the coding strand, the complement: MAGEL2 is on the minus strand). VCF-style: chr15-23644603-A-G. GRCh37 (hg19) VCF-style: chr15-23889750-A-G.
Other names: short protein forms V1047A.
Identifiers: ClinVar variation 729331 (VCV000729331.18), dbSNP rs576711188, ClinGen allele CA7429737.